The following is an entry in ClinVar:

NM_001127222.2(CACNA1A):c.1120C>T (p.Arg374Trp)

Gene: CACNA1A (calcium voltage-gated channel subunit alpha1 A; minus strand). Cytogenetic location: 19p13.13.
Variant type: single nucleotide variant.
Coding change: c.1120C>T on transcript NM_001127222.2 (MANE Select); coding-DNA position 1120, C replaced by T.
Protein change: p.Arg374Trp; replaces arginine 374 with tryptophan.
Molecular consequence: missense variant.
Genome position (GRCh38, 1-based): chr19:13,334,456, G>A on the plus strand (C>T on the coding strand, the complement: CACNA1A is on the minus strand). VCF-style: chr19-13334456-G-A. GRCh37 (hg19) VCF-style: chr19-13445270-G-A.
Other names: c.1120C>T, p.Arg374Trp (NM_000068.4, NM_001127221.2, NM_001174080.2 and 1 more transcripts); short protein forms R374W.
Identifiers: ClinVar variation 2582662 (VCV002582662.4), dbSNP rs2145132791, ClinGen allele CA404346562.

ClinVar aggregate classification (germline): Uncertain significance. Review status: criteria provided, multiple submitters, no conflicts (2 of 4 stars). 2 submissions from 2 submitters: Uncertain significance (2). Last evaluated 2026-01-05.

Conditions:
Episodic ataxia type 2 (EA2). Also called: ATAXIA, EPISODIC, WITH NYSTAGMUS; ATAXIA, FAMILIAL PAROXYSMAL; CEREBELLAR ATAXIA, PAROXYSMAL, ACETAZOLAMIDE-RESPONSIVE; CEREBELLOPATHY, HEREDITARY PAROXYSMAL; EPISODIC ATAXIA, NYSTAGMUS-ASSOCIATED; ACETAZOLAMIDE-RESPONSIVE HEREDITARY PAROXYSMAL CEREBELLAR ATAXIA. Identifiers: Orphanet 97, MedGen C1720416, MONDO:0007163, OMIM 108500.
Developmental and epileptic encephalopathy, 42 (DEE42A). Also called: DEVELOPMENTAL AND EPILEPTIC ENCEPHALOPATHY 42A; EPILEPTIC ENCEPHALOPATHY, EARLY INFANTILE, 42A; Epileptic encephalopathy, early infantile, 42. Identifiers: MedGen C4310716, MONDO:0014917, OMIM 617106.

Submissions (2):

Labcorp Genetics (formerly Invitae), Labcorp
Classification: Uncertain significance for Developmental and epileptic encephalopathy, 42; Episodic ataxia type 2. Last evaluated: 2026-01-05. Review status: criteria provided, single submitter. Criteria: Invitae Variant Classification Sherloc (09022015). Collection method: clinical testing. Allele origin: germline.
Comment: This sequence change replaces arginine, which is basic and polar, with tryptophan, which is neutral and slightly polar, at codon 374 of the CACNA1A protein (p.Arg374Trp). This variant is not present in population databases (gnomAD no frequency). This variant has not been reported in the literature in individuals affected with CACNA1A-related conditions. ClinVar contains an entry for this variant (Variation ID: 2582662). Invitae Evidence Modeling of protein sequence and biophysical properties (such as structural, functional, and spatial information, amino acid conservation, physicochemical variation, residue mobility, and thermodynamic stability) indicates that this missense variant is expected to disrupt CACNA1A protein function with a positive predictive value of 80%. In summary, the available evidence is currently insufficient to determine the role of this variant in disease. Therefore, it has been classified as a Variant of Uncertain Significance.

Baylor Genetics
Classification: Uncertain significance for Episodic ataxia type 2. Last evaluated: 2023-08-16. Review status: criteria provided, single submitter. Criteria: ACMG Guidelines, 2015. Collection method: clinical testing. Allele origin: unknown.